The following is an entry in ClinVar:

ClinVar aggregate classification (germline): Uncertain significance (1 of 4 stars; one submission).

Conditions:
Leber congenital amaurosis 3 (LCA3). Also called: SPATA7-Related Retinitis Pigmentosa. Identifiers: MedGen C1858677, MONDO:0011415, OMIM 604232.

Submission:

Labcorp Genetics (formerly Invitae), Labcorp
Classification: Uncertain significance for Leber congenital amaurosis 3. Last evaluated: 2022-04-08. Review status: criteria provided, single submitter. Criteria: Invitae Variant Classification Sherloc (09022015). Collection method: clinical testing. Allele origin: germline.
Comment: This sequence change replaces proline, which is neutral and non-polar, with serine, which is neutral and polar, at codon 353 of the SPATA7 protein (p.Pro353Ser). This variant is not present in population databases (gnomAD no frequency). This variant has not been reported in the literature in individuals affected with SPATA7-related conditions. Algorithms developed to predict the effect of missense changes on protein structure and function output the following: SIFT: "Tolerated"; PolyPhen-2: "Benign"; Align-GVGD: "Class C0". The serine amino acid residue is found in multiple mammalian species, which suggests that this missense change does not adversely affect protein function. In summary, the available evidence is currently insufficient to determine the role of this variant in disease. Therefore, it has been classified as a Variant of Uncertain Significance.

NM_018418.5(SPATA7):c.1057C>T (p.Pro353Ser)

Gene: SPATA7 (spermatogenesis associated 7; plus strand). Cytogenetic location: 14q31.3.
Variant type: single nucleotide variant.
Coding change: c.1057C>T on transcript NM_018418.5 (MANE Select); coding-DNA position 1057, C replaced by T.
Protein change: p.Pro353Ser; replaces proline 353 with serine.
Molecular consequence: missense variant.
Genome position (GRCh38, 1-based): chr14:88,431,200, C>T. VCF-style: chr14-88431200-C-T. GRCh37 (hg19) VCF-style: chr14-88897544-C-T.
Other names: c.961C>T, p.Pro321Ser (NM_001040428.4); short protein forms P353S, P321S.
Identifiers: ClinVar variation 2095983 (VCV002095983.4), dbSNP rs2076931415, ClinGen allele CA390567682.